The following is an entry in ClinVar:

ClinVar aggregate classification (germline): Conflicting classifications of pathogenicity. Review status: criteria provided, conflicting classifications (1 of 4 stars). 11 submissions from 11 submitters: Uncertain significance (5); Benign (2); Likely benign (3). 1 of the submissions does not count toward it. Last evaluated 2026-01-28.

Conditions:
ADGRV1-related disorder. Also called: ADGRV1-related condition; ADGRV1-related disorders.
Usher syndrome type 2C. Also called: Usher syndrome, type 2B; USHER SYNDROME, TYPE IIC. Identifiers: Orphanet 231178, Orphanet 886, MedGen C2931213, MONDO:0011558, OMIM 605472.

Allele frequency attached by ClinVar (database versions not stated): ESP Exome Variant Server 0.00017; gnomAD 0.00019; ExAC 0.00023; gnomAD exomes 0.00028; TOPMed 0.00031; 1000 Genomes Project 0.00060; 1000 Genomes Project 30x 0.00094.
gnomAD v4.1: 449 of 1,611,626 alleles (0.028%); highest among the groups gnomAD compares: Middle Eastern, 0.35%; 1 homozygote.

Submissions (11):

Labcorp Genetics (formerly Invitae), Labcorp
Classification: Benign. Last evaluated: 2026-01-28. Review status: criteria provided, single submitter. Criteria: Invitae Variant Classification Sherloc (09022015). Collection method: clinical testing. Allele origin: germline.

Blueprint Genetics
Classification: Likely benign. Last evaluated: 2024-11-17. Review status: criteria provided, single submitter. Criteria: ACMG Guidelines, 2015. Collection method: clinical testing. Allele origin: germline.

CeGaT Center for Human Genetics Tuebingen
Classification: Uncertain significance. Last evaluated: 2023-09-01. Review status: criteria provided, single submitter. Criteria: CeGaT Center For Human Genetics Tuebingen Variant Classification Criteria Version 2. Collection method: clinical testing. Allele origin: germline. Affected: yes. Observed: 1 variant allele.

Mendelics
Classification: Benign for Usher syndrome type 2C. Last evaluated: 2023-08-22. Review status: criteria provided, single submitter. Criteria: Mendelics Assertion Criteria 2019. Collection method: clinical testing. Allele origin: germline.

DECIPHERD-UDD, Universidad del Desarrollo
Classification: Uncertain significance for Usher syndrome type 2C. Last evaluated: 2023-07-01. Review status: criteria provided, single submitter. Criteria: ACMG Guidelines, 2015. Collection method: research. Allele origin: paternal. Affected: yes.

GeneDx
Classification: Likely benign. Last evaluated: 2020-05-13. Review status: criteria provided, single submitter. Criteria: GeneDx Variant Classification Process June 2021. Collection method: clinical testing. Allele origin: germline. Affected: yes.
Comment: This variant is associated with the following publications: (PMID: 26969326)

Illumina Laboratory Services, Illumina
Classification: Uncertain significance for Usher syndrome type 2C. Last evaluated: 2018-01-13. Review status: criteria provided, single submitter. Criteria: ICSL Variant Classification Criteria 13 December 2019. Collection method: clinical testing. Allele origin: germline.

ARUP Laboratories, Molecular Genetics and Genomics, ARUP Laboratories
Classification: Uncertain significance. Last evaluated: 2017-12-29. Review status: criteria provided, single submitter. Criteria: ARUP Molecular Germline Variant Investigation Process. Collection method: clinical testing. Allele origin: germline.
Comment: The ADGRV1 p.Ile2332Phe variant (rs193030567) was reported in one individual with a diagnosis of Usher syndrome type 2C who also harbored the p.Val617Met variant (Sloan-Heggen 2016). The p.Ile2332Phe variant is listed in the Genome Aggregation Database (gnomAD) with an allele frequency of 0.3 percent in the Ashkenazi Jewish population (identified on 28 out of 10,072 chromosomes) and has been reported to the ClinVar database (Variation ID: 46359). The isoleucine at position 2332 is highly conserved considering 12 species up to zebrafish (Alamut software v2.10.0), and computational analyses predict that this variant does affect the structure/function of the ADGRV1 protein (SIFT: damaging, MutationTaster: disease causing, PolyPhen-2: possibly damaging). Altogether, there is not enough evidence to classify the p.Ile2332Phe variant with certainty.

Laboratory for Molecular Medicine, Mass General Brigham Personalized Medicine
Classification: Likely benign. Last evaluated: 2017-04-25. Review status: criteria provided, single submitter. Criteria: LMM Criteria. Collection method: clinical testing. Allele origin: germline. Observed: 3 variant alleles.
Comment: p.Ile2332Phe in exon 32 of GPR98: This variant is not expected to have clinical significance because it has been identified in 0.3% (28/10072) of Ashkenazi Jewi sh chromosomes by the Genome Aggregation Database (gnomAD; dbSNP rs193030567).

Eurofins Ntd Llc (ga)
Classification: Uncertain significance. Last evaluated: 2015-09-11. Review status: criteria provided, single submitter. Criteria: EGL Classification Definitions 2015. Collection method: clinical testing. Allele origin: germline. Observed: 2 variant alleles, 2 heterozygotes.

PreventionGenetics, part of Exact Sciences
Classification: Likely benign for ADGRV1-related condition. Last evaluated: 2024-08-07. Review status: no assertion criteria provided. Collection method: clinical testing. Allele origin: germline. Not counted in ClinVar's aggregate classification.
Comment: This variant is classified as likely benign based on ACMG/AMP sequence variant interpretation guidelines (Richards et al. 2015 PMID: 25741868, with internal and published modifications).

Literature cited by the submitters: PubMed 38177409 (cited by DECIPHERD-UDD, Universidad del Desarrollo); PubMed 26969326 (cited by Laboratory for Molecular Medicine, Mass General Brigham Personalized Medicine).

NM_032119.4(ADGRV1):c.6994A>T (p.Ile2332Phe)

Gene: ADGRV1 (adhesion G protein-coupled receptor V1; plus strand). Cytogenetic location: 5q14.3.
Variant type: single nucleotide variant.
Coding change: c.6994A>T on transcript NM_032119.4 (MANE Select); coding-DNA position 6994, A replaced by T.
Protein change: p.Ile2332Phe; replaces isoleucine 2332 with phenylalanine.
Molecular consequence: missense variant. On other transcripts: non-coding transcript variant (1).
Genome position (GRCh38, 1-based): chr5:90,692,647, A>T. VCF-style: chr5-90692647-A-T. GRCh37 (hg19) VCF-style: chr5-89988464-A-T.
Other names: p.I2332F:ATT>TTT; short protein forms I2332F.
Identifiers: ClinVar variation 46359 (VCV000046359.57), dbSNP rs193030567, ClinGen allele CA138188.
Genomic context (GRCh38, chr5:90,692,647, plus strand): 5'-TTTTCACTGTATTTTTAGGTTATCCAAGTGCAACTAACTGATGCCTCTGGTGGAGGTACT[A>T]TTGGGTTAGATCGAATTGCAAATATTATTATTCCTGCCAATGATGATCCTTATGGTACAG-3'
Protein context (NP_115495.3, residues 2322-2342): QLTDASGGGT[Ile2332Phe]GLDRIANIII